The following is an entry in ClinVar:

NM_004453.4(ETFDH):c.1454C>G (p.Thr485Ser)

Gene: ETFDH (electron transfer flavoprotein dehydrogenase; plus strand). Cytogenetic location: 4q32.1.
Variant type: single nucleotide variant.
Coding change: c.1454C>G on transcript NM_004453.4 (MANE Select); coding-DNA position 1454, C replaced by G.
Protein change: p.Thr485Ser; replaces threonine 485 with serine.
Molecular consequence: missense variant.
Genome position (GRCh38, 1-based): chr4:158,706,357, C>G. VCF-style: chr4-158706357-C-G. GRCh37 (hg19) VCF-style: chr4-159627509-C-G.
Other names: c.1454C>G (NM_004453.3); c.1313C>G, p.Thr438Ser (NM_001281737.2); c.1271C>G, p.Thr424Ser (NM_001281738.1); short protein forms T424S, T438S, T485S.
Identifiers: ClinVar variation 2675101 (VCV002675101.4), dbSNP rs2476733074, ClinGen allele CA358564624.
Genomic context (GRCh38, chr4:158,706,357, plus strand): 5'-ATGGAGGGATGATTTACACTGGAATCTTTTACTGGATATTGAGAGGAATGGAGCCGTGGA[C>G]TCTGAAACATAAAGGTAATTCAAACAAGAGTATGAGTGACATGATCATTAAAAATTCATG-3'
Protein context (NP_004444.2, residues 475-495): YWILRGMEPW[Thr485Ser]LKHKGSDFER

ClinVar aggregate classification (germline): Likely pathogenic. Review status: criteria provided, multiple submitters, no conflicts (2 of 4 stars). 3 submissions from 3 submitters: Likely pathogenic (3). Last evaluated 2025-12-30.

Conditions:
Glutaric acidemia type 2C.
Multiple acyl-CoA dehydrogenase deficiency (MADD). Also called: ETHYLMALONIC-ADIPICACIDURIA; GA II; Glutaric aciduria, type 2; Glutaric acidemia type II; GA 2; Glutaric Acidemia type 2. Identifiers: Orphanet 26791, MedGen C0268596, MONDO:0009282, OMIM 231680.

Submissions (3):

Natera, Inc.
Classification: Likely pathogenic for Glutaric acidemia type 2C. Last evaluated: 2025-12-30. Review status: criteria provided, single submitter. Criteria: Natera Variant Classification Schema (03/2026). Collection method: clinical testing. Allele origin: germline.
Comment: The c.1454C>G variant in ETFDH is a missense variant predicted to cause substitution of threonine to serine at amino acid 485. This variant is rare in the general population with a frequency below the threshold expected for the associated phenotype(s). This variant has been observed in one or more individuals affected with the associated recessive disease, as either homozygous or compound heterozygous with a second variant (PMID: 40827880, 34718578, 30681493, 24357026). Computational prediction algorithms indicate this variant is likely to affect gene or protein function. Given the available evidence, this variant is classified as Likely Pathogenic.

Baylor Genetics
Classification: Likely pathogenic for Multiple acyl-CoA dehydrogenase deficiency. Last evaluated: 2023-10-10. Review status: criteria provided, single submitter. Criteria: ACMG Guidelines, 2015. Collection method: clinical testing. Allele origin: unknown.

Juno Genomics, Hangzhou Juno Genomics, Inc
Classification: Likely pathogenic for Multiple acyl-CoA dehydrogenase deficiency. Review status: criteria provided, single submitter. Criteria: ACMG Guidelines, 2015. Collection method: clinical testing. Allele origin: germline.
Comment: Absent from controls (or at extremely low frequency if recessive) in Genome Aggregation Database.;Multiple lines of computational evidence support a deleterious effect on the gene or gene product.;For recessive disorders, detected in trans with a pathogenic variant.;Patient's phenotype or family history is highly specific for a disease with a single genetic etiology.

Literature cited by the submitters: PubMed 40827880 (cited by Natera, Inc.); PubMed 34718578 (cited by Natera, Inc.); PubMed 30681493 (cited by Natera, Inc.); PubMed 24357026 (cited by Natera, Inc.).